The following is an entry in ClinVar:

ClinVar aggregate classification (germline): Pathogenic (1 of 4 stars; one submission).

Submission:

Labcorp Genetics (formerly Invitae), Labcorp
Classification: Pathogenic. Last evaluated: 2021-10-05. Review status: criteria provided, single submitter. Criteria: Invitae Variant Classification Sherloc (09022015). Collection method: clinical testing. Allele origin: germline.
Comment: This sequence change creates a premature translational stop signal (p.Gln510*) in the CUL7 gene. It is expected to result in an absent or disrupted protein product. Loss-of-function variants in CUL7 are known to be pathogenic (PMID: 16142236, 17675530, 19225462). This variant is not present in population databases (ExAC no frequency). This variant has not been reported in the literature in individuals with CUL7-related conditions. For these reasons, this variant has been classified as Pathogenic.

Literature cited by the submitters: PubMed 16142236; PubMed 17675530; PubMed 19225462.

NM_014780.5(CUL7):c.1528C>T (p.Gln510Ter)

Gene: CUL7 (cullin 7; minus strand). Cytogenetic location: 6p21.1.
Variant type: single nucleotide variant.
Coding change: c.1528C>T on transcript NM_014780.5 (MANE Select); coding-DNA position 1528, C replaced by T.
Protein change: p.Gln510Ter; replaces glutamine 510 with a stop codon.
Molecular consequence: nonsense.
Genome position (GRCh38, 1-based): chr6:43,050,004, G>A on the plus strand (C>T on the coding strand, the complement: CUL7 is on the minus strand). VCF-style: chr6-43050004-G-A. GRCh37 (hg19) VCF-style: chr6-43017742-G-A.
Other names: c.1624C>T, p.Gln542Ter (NM_001168370.2, NM_001374872.1); c.1528C>T, p.Gln510Ter (NM_001374873.1, NM_001374874.1); short protein forms Q510*, Q542*.
Identifiers: ClinVar variation 1414849 (VCV001414849.6), dbSNP rs2150332479, ClinGen allele CA364223424.